The following is an entry in ClinVar:

ClinVar aggregate classification (germline): Uncertain significance. Review status: criteria provided, multiple submitters, no conflicts (2 of 4 stars). 2 submissions from 2 submitters: Uncertain significance (2). Last evaluated 2021-08-17.

Conditions:
Alpha-methylacyl-CoA racemase deficiency (AMACRD). Also called: AMACR deficiency. Identifiers: Orphanet 79095, MedGen C3280428, MONDO:0013681, OMIM 614307. Disease mechanism: loss of function.
Inborn genetic diseases. Identifiers: MedGen C0950123, MeSH D030342.

Allele frequency attached by ClinVar (database versions not stated): gnomAD exomes below 0.00001; TOPMed below 0.00001; ExAC 0.00001; gnomAD 0.00001.

Submissions (2):

Ambry Genetics
Classification: Uncertain significance for Inborn genetic diseases. Last evaluated: 2021-08-17. Review status: criteria provided, single submitter. Criteria: Ambry Variant Classification Scheme 2023. Collection method: clinical testing. Allele origin: germline.

Labcorp Genetics (formerly Invitae), Labcorp
Classification: Uncertain significance for Alpha-methylacyl-CoA racemase deficiency. Last evaluated: 2020-12-10. Review status: criteria provided, single submitter. Criteria: Invitae Variant Classification Sherloc (09022015). Collection method: clinical testing. Allele origin: germline.
Comment: This variant is present in population databases (rs752862912, ExAC 0.01%). In summary, the available evidence is currently insufficient to determine the role of this variant in disease. Therefore, it has been classified as a Variant of Uncertain Significance. Algorithms developed to predict the effect of missense changes on protein structure and function (SIFT, PolyPhen-2, Align-GVGD) all suggest that this variant is likely to be disruptive, but these predictions have not been confirmed by published functional studies and their clinical significance is uncertain. This variant has not been reported in the literature in individuals with AMACR-related conditions. This sequence change replaces arginine with lysine at codon 106 of the AMACR protein (p.Arg106Lys). The arginine residue is highly conserved and there is a small physicochemical difference between arginine and lysine.

NM_014324.6(AMACR):c.317G>A (p.Arg106Lys)

Genes: AMACR (alpha-methylacyl-CoA racemase; minus strand), C1QTNF3-AMACR (C1QTNF3-AMACR readthrough (NMD candidate); minus strand). Cytogenetic location: 5p13.2.
Variant type: single nucleotide variant.
Coding change: c.317G>A on transcript NM_014324.6 (MANE Select); coding-DNA position 317, G replaced by A.
Protein change: p.Arg106Lys; replaces arginine 106 with lysine.
Molecular consequence: missense variant. On other transcripts: non-coding transcript variant (1).
Genome position (GRCh38, 1-based): chr5:34,005,830, C>T on the plus strand (G>A on the coding strand, the complement: AMACR is on the minus strand). VCF-style: chr5-34005830-C-T. GRCh37 (hg19) VCF-style: chr5-34005935-C-T.
Other names: c.317G>A, p.Arg106Lys (NM_001167595.2, NM_203382.3); c.317G>A (NM_014324.5); short protein forms R106K.
Identifiers: ClinVar variation 1407045 (VCV001407045.9), dbSNP rs752862912, ClinGen allele CA3226242.